The following is an entry in ClinVar:

NM_001004334.4(GPR179):c.4552G>A (p.Gly1518Arg)

Gene: GPR179 (G protein-coupled receptor 179; minus strand). Cytogenetic location: 17q12.
Variant type: single nucleotide variant.
Coding change: c.4552G>A on transcript NM_001004334.4 (MANE Select); coding-DNA position 4552, G replaced by A.
Protein change: p.Gly1518Arg; replaces glycine 1518 with arginine.
Molecular consequence: missense variant.
Genome position (GRCh38, 1-based): chr17:38,329,017, C>T on the plus strand (G>A on the coding strand, the complement: GPR179 is on the minus strand). VCF-style: chr17-38329017-C-T. GRCh37 (hg19) VCF-style: chr17-36484900-C-T.
Other names: c.4552G>A (NM_001004334.2); short protein forms G1518R.
Identifiers: ClinVar variation 1510443 (VCV001510443.7), dbSNP rs769524780, ClinGen allele CA290104075.

ClinVar aggregate classification (germline): Uncertain significance. Review status: criteria provided, multiple submitters, no conflicts (2 of 4 stars). 2 submissions from 2 submitters: Uncertain significance (2). Last evaluated 2024-09-06.

Conditions:
Inborn genetic diseases. Identifiers: MedGen C0950123, MeSH D030342.

Allele frequency attached by ClinVar (database versions not stated): gnomAD exomes 0.00001 and 0.00002; ExAC 0.00002; gnomAD 0.00003 and 0.00004; TOPMed 0.00003.
gnomAD v4.1: 24 of 1,614,062 alleles (0.0015%); highest among the groups gnomAD compares: Non-Finnish European, 0.0019%; no homozygotes.

Submissions (2):

Ambry Genetics
Classification: Uncertain significance for Inborn genetic diseases. Last evaluated: 2024-09-06. Review status: criteria provided, single submitter. Criteria: Ambry Variant Classification Scheme 2023. Collection method: clinical testing. Allele origin: germline.

Labcorp Genetics (formerly Invitae), Labcorp
Classification: Uncertain significance. Last evaluated: 2021-10-21. Review status: criteria provided, single submitter. Criteria: Invitae Variant Classification Sherloc (09022015). Collection method: clinical testing. Allele origin: germline.
Comment: In summary, the available evidence is currently insufficient to determine the role of this variant in disease. Therefore, it has been classified as a Variant of Uncertain Significance. Algorithms developed to predict the effect of missense changes on protein structure and function output the following: SIFT: "Tolerated"; PolyPhen-2: "Benign"; Align-GVGD: "Class C0". The arginine amino acid residue is found in multiple mammalian species, which suggests that this missense change does not adversely affect protein function. This variant has not been reported in the literature in individuals affected with GPR179-related conditions. This variant is present in population databases (rs769524780, ExAC 0.003%). This sequence change replaces glycine with arginine at codon 1518 of the GPR179 protein (p.Gly1518Arg). The glycine residue is weakly conserved and there is a moderate physicochemical difference between glycine and arginine.